The following is an entry in ClinVar:

NM_199420.4(POLQ):c.5697G>T (p.Leu1899Phe)

Gene: POLQ (DNA polymerase theta; minus strand). Cytogenetic location: 3q13.33.
Variant type: single nucleotide variant.
Coding change: c.5697G>T on transcript NM_199420.4 (MANE Select); coding-DNA position 5697, G replaced by T.
Protein change: p.Leu1899Phe; replaces leucine 1899 with phenylalanine.
Molecular consequence: missense variant.
Genome position (GRCh38, 1-based): chr3:121,485,117, C>A on the plus strand (G>T on the coding strand, the complement: POLQ is on the minus strand). VCF-style: chr3-121485117-C-A. GRCh37 (hg19) VCF-style: chr3-121203964-C-A.
Other names: short protein forms L1899F.
Identifiers: ClinVar variation 2448943 (VCV002448943.2), dbSNP rs2546782956, ClinGen allele CA354089177.
Genomic context (GRCh38, chr3:121,485,117, plus strand): 5'-CTTCTGCAGTGAAAAATAATAGGCATCCCTTCCACCCCAGCATACTGCCAGTCCAACCAC[C>A]AAGGTGTCATCACAACCTTTAATGGGAAATCCATCATCTCTAATAGGAATTTCCTGAGGT-3'
Protein context (NP_955452.3, residues 1889-1909): GFPIKGCDDT[Leu1899Phe]VVGLAVCWGG

ClinVar aggregate classification (germline): Uncertain significance (1 of 4 stars; one submission).

Submission:

Ambry Genetics
Classification: Uncertain significance. Last evaluated: 2022-12-18. Review status: criteria provided, single submitter. Criteria: Ambry Variant Classification Scheme 2023. Collection method: clinical testing. Allele origin: germline.
Comment: The p.L1899F variant (also known as c.5697G>T), located in coding exon 17 of the POLQ gene, results from a G to T substitution at nucleotide position 5697. The leucine at codon 1899 is replaced by phenylalanine, an amino acid with highly similar properties. This amino acid position is conserved. In addition, this alteration is predicted to be tolerated by in silico analysis. Since supporting evidence is limited at this time, the clinical significance of this alteration remains unclear.